The following is an entry in ClinVar:

NM_024675.4(PALB2):c.762_763insATA (p.Ser254_Asp255insIle)

Gene: PALB2 (partner and localizer of BRCA2; minus strand). Cytogenetic location: 16p12.2.
Variant type: Insertion.
Coding change: c.762_763insATA on transcript NM_024675.4 (MANE Select); coding-DNA positions 762 to 763, ATA inserted.
Protein change: p.Ser254_Asp255insIle.
Molecular consequence: inframe indel (on NM_024675.3). On other transcripts: 5 prime UTR variant (8), intron variant (3).
Genome position: GRCh38 VCF-style: chr16-23635783-C-CTAT. GRCh37 (hg19) VCF-style: chr16-23647104-C-CTAT.
Other names: c.762_763insATA (NM_024675.3); c.702_703insATA, p.Ser234_Asp235insIle (NM_001407296.1); c.762_763insATA, p.Ser254_Asp255insIle (NM_001407297.1, NM_001407298.1, NM_001407299.1 and 3 more transcripts); c.-124_-123insATA (NM_001407304.1, NM_001407305.1, NM_001407306.1 and 5 more transcripts); c.48+5326_48+5327insAAT (NM_001407314.1); c.-104-5315_-104-5314insAAT (NM_001407313.1, NM_001407312.1).
Identifiers: ClinVar variation 5026144 (VCV005026144.1).

ClinVar aggregate classification (germline): Uncertain significance (1 of 4 stars; one submission).

Conditions:
Hereditary cancer-predisposing syndrome. Also called: Neoplastic Syndromes, Hereditary; Tumor predisposition; Hereditary neoplastic syndrome; Hereditary Cancer Syndrome. Identifiers: Orphanet 140162, MedGen C0027672, MeSH D009386, MONDO:0015356.

Submission:

Ambry Genetics
Classification: Uncertain significance for Hereditary cancer-predisposing syndrome. Last evaluated: 2026-06-26. Review status: criteria provided, single submitter. Criteria: Ambry Variant Classification Scheme 2023. Collection method: clinical testing. Allele origin: germline.
Comment: The c.762_763insATA variant (also known as p.S254_D255insI), located in coding exon 4 of the PALB2 gene, results from an in-frame ATA insertion at nucleotide positions 762 to 763. This results in the insertion of an extra isoleucine residue between codons 254 and 255. This amino acid region is not well conserved in available vertebrate species. In addition, the in silico prediction for this variant is inconclusive. Based on the available evidence, the clinical significance of this variant remains unclear.